The following is an entry in ClinVar:

NM_130811.4(SNAP25):c.596C>T (p.Ala199Val)

Gene: SNAP25 (synaptosome associated protein 25; plus strand). Cytogenetic location: 20p12.2.
Variant type: single nucleotide variant.
Coding change: c.596C>T on transcript NM_130811.4 (MANE Select); coding-DNA position 596, C replaced by T.
Protein change: p.Ala199Val; replaces alanine 199 with valine.
Molecular consequence: missense variant.
Genome position (GRCh38, 1-based): chr20:10,306,172, C>T. VCF-style: chr20-10306172-C-T. GRCh37 (hg19) VCF-style: chr20-10286820-C-T.
Other names: c.596C>T, p.Ala199Val (NM_001322902.2, NM_001322903.2, NM_001322904.2 and 7 more transcripts); short protein forms A199V.
Identifiers: ClinVar variation 1065446 (VCV001065446.4), dbSNP rs2123205311, ClinGen allele CA408266903.
Genomic context (GRCh38, chr20:10,306,172, plus strand): 5'-TTTTCCCCCTTTTCTAGGCTGATTCCAACAAAACCAGAATTGATGAGGCCAACCAACGTG[C>T]AACAAAGATGCTGGGAAGTGGTTAAGTGTGCCCACCCGTGTTCTCCTCCAAATGCTGTCG-3'
Protein context (NP_570824.1, residues 189-206): KTRIDEANQR[Ala199Val]TKMLGSG

ClinVar aggregate classification (germline): Conflicting classifications of pathogenicity. Review status: criteria provided, conflicting classifications (1 of 4 stars). 2 submissions from 2 submitters: Likely pathogenic (1); Uncertain significance (1). Last evaluated 2020-07-15.

Conditions:
Congenital myasthenic syndrome 18. Also called: MYASTHENIC SYNDROME, CONGENITAL, 18, WITH INTELLECTUAL DISABILITY AND ATAXIA. Identifiers: Orphanet 590, MedGen C4225364, MONDO:0014590, OMIM 616330.
Developmental and epileptic encephalopathy. Identifiers: MedGen C5779964, MONDO:0100620.

Submissions (2):

Institute of Human Genetics, University of Leipzig Medical Center
Classification: Likely pathogenic for Early-infantile DEE. Last evaluated: 2020-07-15. Review status: criteria provided, single submitter. Criteria: ACMG Guidelines, 2015. Collection method: clinical testing. Allele origin: de novo. Affected: yes.
Comment: This variant was identified as de novo (maternity and paternity confirmed).

Genomic Medicine Lab, University of California San Francisco
Classification: Uncertain significance for Congenital myasthenic syndrome 18. Last evaluated: 2019-04-25. Review status: criteria provided, single submitter. Criteria: ACMG Guidelines, 2015. Collection method: clinical testing. Allele origin: de novo. Inheritance: Autosomal dominant inheritance. Affected: yes. Study: CSER-P3EGS.

Literature cited by the submitters: PubMed 33299146 (cited by Institute of Human Genetics, University of Leipzig Medical Center).